The following is an entry in ClinVar:

ClinVar aggregate classification (germline): Conflicting classifications of pathogenicity. Review status: criteria provided, conflicting classifications (1 of 4 stars). 2 submissions from 2 submitters: Likely pathogenic (1); Uncertain significance (1). Last evaluated 2024-11-18.

Conditions:
Dilated cardiomyopathy 1G (CMD1G). Identifiers: Orphanet 154, MedGen C1858763, MONDO:0011400, OMIM 604145.
Autosomal recessive limb-girdle muscular dystrophy type 2J (LGMDR10). Also called: Limb-girdle muscular dystrophy, type 2J; MUSCULAR DYSTROPHY, LIMB-GIRDLE, AUTOSOMAL RECESSIVE 10. Identifiers: Orphanet 140922, MedGen C1837342, MONDO:0012127, OMIM 608807.

Allele frequency attached by ClinVar (database versions not stated): gnomAD exomes below 0.00001.
gnomAD v4.1: 2 of 1,612,990 alleles (0.00012%); highest among the groups gnomAD compares: East Asian, 0.0045%; no homozygotes.

Submissions (2):

GeneDx
Classification: Uncertain significance. Last evaluated: 2024-11-18. Review status: criteria provided, single submitter. Criteria: GeneDx Variant Classification Process June 2021. Collection method: clinical testing. Allele origin: germline. Affected: yes.
Comment: Canonical splice site variant in a region of a gene for which loss of function is not a well-established mechanism of disease; Not observed at significant frequency in large population cohorts (gnomAD); Has not been previously published as pathogenic or benign to our knowledge

Labcorp Genetics (formerly Invitae), Labcorp
Classification: Likely pathogenic for Dilated cardiomyopathy 1G; Autosomal recessive limb-girdle muscular dystrophy type 2J. Last evaluated: 2024-06-17. Review status: criteria provided, single submitter. Criteria: Invitae Variant Classification Sherloc (09022015). Collection method: clinical testing. Allele origin: germline.
Comment: This sequence change affects a donor splice site in intron 140 of the TTN gene. It is expected to disrupt RNA splicing and likely results in a truncated or disrupted TTN protein. This variant is not present in population databases (gnomAD no frequency). This variant has not been reported in the literature in individuals affected with TTN-related conditions. ClinVar contains an entry for this variant (Variation ID: 1351894). Algorithms developed to predict the effect of sequence changes on RNA splicing suggest that this variant may disrupt the consensus splice site. This variant is located in the I band of TTN (PMID: 25589632). Truncating variants in this region have been reported in individuals affected with autosomal recessive centronuclear myopathy (PMID: 23975875, Invitae internal data). Truncating variants in this region have also been identified in individuals affected with autosomal dominant dilated cardiomyopathy and/or cardio-related conditions (PMID: 27869827, 32964742, Invitae internal data). In summary, the currently available evidence indicates that the variant is pathogenic, but additional data are needed to prove that conclusively. Therefore, this variant has been classified as Likely Pathogenic.

Literature cited by the submitters: PubMed 25589632 (cited by Labcorp Genetics (formerly Invitae), Labcorp); PubMed 23975875 (cited by Labcorp Genetics (formerly Invitae), Labcorp); PubMed 27869827 (cited by Labcorp Genetics (formerly Invitae), Labcorp); PubMed 32964742 (cited by Labcorp Genetics (formerly Invitae), Labcorp).

NM_001267550.2(TTN):c.33580+1G>A

Gene: TTN (titin; minus strand). Cytogenetic location: 2q31.2.
Variant type: single nucleotide variant.
Coding change: c.33580+1G>A on transcript NM_001267550.2 (MANE Select); the canonical splice donor site of the intron after coding-DNA position 33580, G replaced by A.
Molecular consequence: splice donor variant. On other transcripts: intron variant (3).
Genome position (GRCh38, 1-based): chr2:178,679,893, C>T on the plus strand (G>A on the coding strand, the complement: TTN is on the minus strand). VCF-style: chr2-178679893-C-T. GRCh37 (hg19) VCF-style: chr2-179544620-C-T.
Other names: c.13283-37576G>A (NM_003319.4); c.13859-37576G>A (NM_133437.4); c.13658-37576G>A (NM_133432.3); c.29848+1G>A (NM_133378.4); c.32629+1G>A (NM_001256850.1).
Identifiers: ClinVar variation 1351894 (VCV001351894.7), dbSNP rs2068947933, ClinGen allele CA349536899.